The following is an entry in ClinVar:

NM_016580.4(PCDH12):c.562C>A (p.Pro188Thr)

Genes: PCDH12 (protocadherin 12; minus strand), RNF14 (ring finger protein 14; plus strand). Cytogenetic location: 5q31.3.
Variant type: single nucleotide variant.
Coding change: c.562C>A on transcript NM_016580.4 (MANE Select); coding-DNA position 562, C replaced by A.
Protein change: p.Pro188Thr; replaces proline 188 with threonine.
Molecular consequence: missense variant.
Genome position (GRCh38, 1-based): chr5:141,957,290, G>T on the plus strand (C>A on the coding strand, the complement: PCDH12 is on the minus strand). VCF-style: chr5-141957290-G-T. GRCh37 (hg19) VCF-style: chr5-141336855-G-T.
Other names: c.562C>A (NM_016580.2); short protein forms P188T.
Identifiers: ClinVar variation 2793029 (VCV002793029.4), dbSNP rs374595358, ClinGen allele CA128481132.

ClinVar aggregate classification (germline): Uncertain significance. Review status: criteria provided, multiple submitters, no conflicts (2 of 4 stars). 2 submissions from 2 submitters: Uncertain significance (2). Last evaluated 2025-09-10.

Conditions:
Inborn genetic diseases. Identifiers: MedGen C0950123, MeSH D030342.

Allele frequency attached by ClinVar (database versions not stated): TOPMed 0.00002; ESP Exome Variant Server 0.00008.
gnomAD v4.1: 5 of 1,613,576 alleles (0.00031%); highest among the groups gnomAD compares: Non-Finnish European, 0.00034%; no homozygotes.

Submissions (2):

Ambry Genetics
Classification: Uncertain significance for Inborn genetic diseases. Last evaluated: 2025-09-10. Review status: criteria provided, single submitter. Criteria: Ambry Variant Classification Scheme 2023. Collection method: clinical testing. Allele origin: germline.

Labcorp Genetics (formerly Invitae), Labcorp
Classification: Uncertain significance. Last evaluated: 2025-06-12. Review status: criteria provided, single submitter. Criteria: Invitae Variant Classification Sherloc (09022015). Collection method: clinical testing. Allele origin: germline.
Comment: This sequence change replaces proline, which is neutral and non-polar, with threonine, which is neutral and polar, at codon 188 of the PCDH12 protein (p.Pro188Thr). This variant is present in population databases (rs374595358, gnomAD 0.0009%). This variant has not been reported in the literature in individuals affected with PCDH12-related conditions. ClinVar contains an entry for this variant (Variation ID: 2793029). Invitae Evidence Modeling of protein sequence and biophysical properties (such as structural, functional, and spatial information, amino acid conservation, physicochemical variation, residue mobility, and thermodynamic stability) indicates that this missense variant is not expected to disrupt PCDH12 protein function with a negative predictive value of 95%. In summary, the available evidence is currently insufficient to determine the role of this variant in disease. Therefore, it has been classified as a Variant of Uncertain Significance.